The following is an entry in ClinVar:

NM_001040142.2(SCN2A):c.253T>C (p.Tyr85His)

Gene: SCN2A (sodium voltage-gated channel alpha subunit 2; plus strand). Cytogenetic location: 2q24.3.
Variant type: single nucleotide variant.
Coding change: c.253T>C on transcript NM_001040142.2 (MANE Select); coding-DNA position 253, T replaced by C.
Protein change: p.Tyr85His; replaces tyrosine 85 with histidine.
Molecular consequence: missense variant.
Genome position (GRCh38, 1-based): chr2:165,296,076, T>C. VCF-style: chr2-165296076-T-C. GRCh37 (hg19) VCF-style: chr2-166152586-T-C.
Other names: c.253T>C, p.Tyr85His (NM_001040143.2, NM_001371246.1, NM_001371247.1 and 1 more transcripts); short protein forms Y85H.
Identifiers: ClinVar variation 4789331 (VCV004789331.1).

ClinVar aggregate classification (germline): Uncertain significance (1 of 4 stars; one submission).

Conditions:
Developmental and epileptic encephalopathy, 11 (DEE11). Also called: Early infantile epileptic encephalopathy 11. Identifiers: Orphanet 1934, MedGen C3150987, MONDO:0013388, OMIM 613721.
Seizures, benign familial infantile, 3 (BFIS3). Also called: CONVULSIONS, BENIGN FAMILIAL INFANTILE, 3; Familial neonatal seizures. Identifiers: Orphanet 140927, Orphanet 306, MedGen C1843140, MONDO:0011904, OMIM 607745.

Submission:

Labcorp Genetics (formerly Invitae), Labcorp
Classification: Uncertain significance for Seizures, benign familial infantile, 3; Developmental and epileptic encephalopathy, 11. Last evaluated: 2025-02-06. Review status: criteria provided, single submitter. Criteria: Invitae Variant Classification Sherloc (09022015). Collection method: clinical testing. Allele origin: germline.
Comment: This sequence change replaces tyrosine, which is neutral and polar, with histidine, which is basic and polar, at codon 85 of the SCN2A protein (p.Tyr85His). This variant is not present in population databases (gnomAD no frequency). This variant has not been reported in the literature in individuals affected with SCN2A-related conditions. Invitae Evidence Modeling of protein sequence and biophysical properties (such as structural, functional, and spatial information, amino acid conservation, physicochemical variation, residue mobility, and thermodynamic stability) indicates that this missense variant is expected to disrupt SCN2A protein function with a positive predictive value of 95%. In summary, the available evidence is currently insufficient to determine the role of this variant in disease. Therefore, it has been classified as a Variant of Uncertain Significance.